The following is an entry in ClinVar:

NM_182920.2(ADAMTS9):c.3475-7C>T

Gene: ADAMTS9 (ADAM metallopeptidase with thrombospondin type 1 motif 9; minus strand). Cytogenetic location: 3p14.1.
Variant type: single nucleotide variant.
Coding change: c.3475-7C>T on transcript NM_182920.2 (MANE Select); 7 bases into the intron before coding-DNA position 3475, C replaced by T.
Molecular consequence: intron variant.
Genome position (GRCh38, 1-based): chr3:64,604,338, G>A on the plus strand (C>T on the coding strand, the complement: ADAMTS9 is on the minus strand). VCF-style: chr3-64604338-G-A. GRCh37 (hg19) VCF-style: chr3-64590014-G-A.
Other names: c.3391-7C>T (NM_001318781.2).
Identifiers: ClinVar variation 770704 (VCV000770704.33), dbSNP rs199940595, ClinGen allele CA2480818.

ClinVar aggregate classification (germline): Benign/Likely benign. Review status: criteria provided, multiple submitters, no conflicts (2 of 4 stars). 4 submissions from 4 submitters: Benign (1); Likely benign (2). 1 of the submissions does not count toward it. Last evaluated 2026-01-12.

Conditions:
ADAMTS9-related disorder. Also called: ADAMTS9-related condition.

Allele frequency attached by ClinVar (database versions not stated): 1000 Genomes Project 0.00060; 1000 Genomes Project 30x 0.00062; gnomAD exomes 0.00204 and 0.00338; gnomAD 0.00215 and 0.00223; TOPMed 0.00220; ExAC 0.00221; ESP Exome Variant Server 0.00292.

Submissions (5):

Labcorp Genetics (formerly Invitae), Labcorp
Classification: Benign. Last evaluated: 2026-01-12. Review status: criteria provided, single submitter. Criteria: Invitae Variant Classification Sherloc (09022015). Collection method: clinical testing. Allele origin: germline.

Blueprint Genetics
Classification: Likely benign. Last evaluated: 2024-11-22. Review status: criteria provided, single submitter. Criteria: ACMG Guidelines, 2015. Collection method: clinical testing. Allele origin: germline.

CeGaT Center for Human Genetics Tuebingen
Classification: Likely benign. Last evaluated: 2024-02-01. Review status: criteria provided, single submitter. Criteria: CeGaT Center For Human Genetics Tuebingen Variant Classification Criteria Version 2. Collection method: clinical testing. Allele origin: germline. Affected: yes. Observed: 1 variant allele.
Comment: ADAMTS9: BP4

PreventionGenetics, part of Exact Sciences
Classification: Likely benign for ADAMTS9-related condition. Last evaluated: 2019-08-28. Review status: no assertion criteria provided. Collection method: clinical testing. Allele origin: germline. Not counted in ClinVar's aggregate classification.
Comment: This variant is classified as likely benign based on ACMG/AMP sequence variant interpretation guidelines (Richards et al. 2015 PMID: 25741868, with internal and published modifications).

Dr. Peter K. Rogan Lab, Western University
No classification provided (evidence only). Condition: Sarcoma. Review status: no classification provided. Collection method: in vitro. Allele origin: not applicable. Functional consequence: retained intron. Not counted in ClinVar's aggregate classification.